The following is an entry in ClinVar:

NM_212550.5(BLOC1S3):c.238C>T (p.Leu80=)

Gene: BLOC1S3 (biogenesis of lysosomal organelles complex 1 subunit 3; plus strand). Cytogenetic location: 19q13.32.
Variant type: single nucleotide variant.
Coding change: c.238C>T on transcript NM_212550.5 (MANE Select); coding-DNA position 238, C replaced by T.
Protein change: p.Leu80=; no amino-acid change (leucine 80 retained).
Molecular consequence: synonymous variant.
Genome position (GRCh38, 1-based): chr19:45,179,534, C>T. VCF-style: chr19-45179534-C-T. GRCh37 (hg19) VCF-style: chr19-45682792-C-T.
Identifiers: ClinVar variation 3045934 (VCV003045934.2), dbSNP rs1969477610, ClinGen allele CA507952339.

ClinVar aggregate classification (germline): Likely benign (0 of 4 stars; one submission).

Conditions:
BLOC1S3-related disorder. Also called: BLOC1S3-related condition.

gnomAD v4.1: 1 of 1,522,932 alleles (0.000066%); no homozygotes.

Submission:

PreventionGenetics, part of Exact Sciences
Classification: Likely benign for BLOC1S3-related condition. Last evaluated: 2023-08-01. Review status: no assertion criteria provided. Collection method: clinical testing. Allele origin: germline.
Comment: This variant is classified as likely benign based on ACMG/AMP sequence variant interpretation guidelines (Richards et al. 2015 PMID: 25741868, with internal and published modifications).